The following is an entry in ClinVar:

ClinVar aggregate classification (germline): Likely pathogenic (1 of 4 stars; one submission).

Conditions:
Bartter disease type 2. Also called: HYPERPROSTAGLANDIN E SYNDROME 2; HYPOKALEMIC ALKALOSIS WITH HYPERCALCIURIA 2, ANTENATAL; Bartter syndrome, type 2, antenatal. Identifiers: Orphanet 112, Orphanet 620220, MedGen C1855849, MONDO:0009424, OMIM 241200.

Allele frequency attached by ClinVar (database versions not stated): gnomAD exomes below 0.00001.
gnomAD v4.1: 2 of 1,613,774 alleles (0.00012%); highest among the groups gnomAD compares: Non-Finnish European, 0.00017%; no homozygotes.

Submission:

Victorian Clinical Genetics Services, Murdoch Childrens Research Institute
Classification: Likely pathogenic for Bartter disease type 2. Last evaluated: 2025-04-09. Review status: criteria provided, single submitter. Criteria: ACMG Guidelines, 2015. Collection method: clinical testing. Allele origin: germline. Affected: yes.
Comment: This variant is classified as Likely pathogenic. Evidence in support of pathogenic classification: Variant is present in gnomAD <0.01 for a recessive condition (v4: 2 heterozygote(s), 0 homozygote(s)); Another missense variant(s) comparable to the one identified in this case has moderate previous evidence for pathogenicity. p.(Leu201Phe) has been classified as pathogenic by multiple clinical laboratories in ClinVar, and once as a VUS; Missense variant predicted to be damaging by in silico tool(s) or highly conserved with a major amino acid change; Very strong and specific phenotype match for this individual. Additional information: Variant is predicted to result in a missense amino acid change from leucine to arginine - This variant is heterozygous; This gene is associated with autosomal recessive disease; Alternative amino acid change(s) at the same position are present in gnomAD (Highest allele count: v4: 275 heterozygote(s), 3 homozygote(s)); This variant has no previous evidence of pathogenicity; No published segregation evidence has been identified for this variant; No published functional evidence has been identified for this variant; Variant is located in the annotated IRK_C domain (DECIPHER); Loss of function is a known mechanism of disease in this gene and is associated with Bartter syndrome, type 2 (MIM#241200); Heterozygous variant detected in trans with a second LIKELY PATHOGENIC heterozygous variant (NM_153766.3:c.551G>A) in a recessive disease.

NM_153766.3(KCNJ1):c.602T>G (p.Leu201Arg)

Gene: KCNJ1 (potassium inwardly rectifying channel subfamily J member 1; minus strand). Cytogenetic location: 11q24.3.
Variant type: single nucleotide variant.
Coding change: c.602T>G on transcript NM_153766.3 (MANE Select); coding-DNA position 602, T replaced by G.
Protein change: p.Leu201Arg; replaces leucine 201 with arginine.
Molecular consequence: missense variant.
Genome position (GRCh38, 1-based): chr11:128,839,642, A>C on the plus strand (T>G on the coding strand, the complement: KCNJ1 is on the minus strand). VCF-style: chr11-128839642-A-C. GRCh37 (hg19) VCF-style: chr11-128709537-A-C.
Other names: c.659T>G, p.Leu220Arg (NM_000220.6); c.602T>G, p.Leu201Arg (NM_153764.3, NM_153767.4); c.653T>G, p.Leu218Arg (NM_153765.3); short protein forms L220R, L201R, L218R.
Identifiers: ClinVar variation 870375 (VCV000870375.3), dbSNP rs1411280373, ClinGen allele CA383244672.